The following continues an entry in ClinVar:

NM_000492.4(CFTR):c.14C>T (p.Pro5Leu)

Gene: CFTR. ClinVar aggregate classification (germline): Pathogenic/Likely pathogenic. Pathogenic (12); Likely pathogenic (13).

Submissions 9 to 22 of 26:

Ambry Genetics
Classification: Likely pathogenic for Cystic fibrosis. Last evaluated: 2025-03-25. Review status: criteria provided, single submitter. Criteria: Ambry Variant Classification Scheme 2023. Collection method: clinical testing. Allele origin: germline.
Comment: The p.P5L variant (also known as c.14C>T), located in coding exon 1 of the CFTR gene, results from a C to T substitution at nucleotide position 14. The proline at codon 5 is replaced by leucine, an amino acid with similar properties. This alteration has been detected in multiple individuals carrying a second CFTR alteration (six with p.F508del, two with p.W1282*, and one with p.R347P) with varying disease severity. The majority of individuals had pancreatic sufficiency, mild or no respiratory symptoms, normal lung function, and elevated sweat chloride levels (Spicuzza L et al. J. Cyst. Fibros., 2012 Jan;11:30-3; Sofia VM et al. Mol. Med., 2018 07;24:38). This variant has also been identified in multiple newborns with abnormal newborn screening results (Narzi L et al. Clin. Genet., 2007 Jul;72:39-46; Paracchini V et al. JIMD Rep, 2012 Nov;4:17-23), as well as in an individual with idiopathic chronic pancreatitis (Steiner B et al. Hum. Mutat., 2011 Aug;32:912-20). In two functional studies, this variant demonstrated a reduced level of WT-CFTR protein function; in addition, the protein was predominantly localized intracellularly and demonstrated abnormal channel gating activity (Gen&eacute; GG et al. Hum. Mutat., 2008 May;29:738-49; Raraigh KS et al. Am. J. Hum. Genet., 2018 06;102:1062-1077). The p.P5L alteration has been reported as a variant of varying clinical consequences (VVCC) (Sosnay PR et al. Pediatr. Clin. North Am., 2016 08;63:585-98; The Clinical and Functional TRanslation of CFTR (CFTR2); available at CFTR2. Accessed January 22, 2018). This amino acid position is highly conserved in available vertebrate species. In addition, this alteration is predicted to be deleterious by in silico analysis. Based on the majority of available evidence to date, this variant is likely to be pathogenic.

Johns Hopkins Genomics, Johns Hopkins University
Classification: Likely pathogenic for Cystic fibrosis. Last evaluated: 2025-02-03. Review status: criteria provided, single submitter. Criteria: ACMG Guidelines, 2015. Collection method: clinical testing. Allele origin: germline.
Comment: CFTR variant associated with varying clinical consequence. See CFTR2 for phenotype information.

Blueprint Genetics
Classification: Likely pathogenic for CFTR-related disorders. Last evaluated: 2024-11-04. Review status: criteria provided, single submitter. Criteria: ACMG Guidelines, 2015. Collection method: clinical testing. Allele origin: germline. Affected: yes. Observed: 5 variant alleles.

Quest Diagnostics Nichols Institute San Juan Capistrano
Classification: Likely pathogenic. Last evaluated: 2024-06-26. Review status: criteria provided, single submitter. Criteria: Quest Diagnostics criteria. Collection method: clinical testing. Allele origin: unknown.
Comment: The CFTR c.14C>T (p.Pro5Leu) variant is associated with a variable phenotype (see CFTR2). In the published literature, this variant has been reported in individuals with cystic fibrosis (PMIDs: 25658530 (2015), 25754095 (2015), 21983161 (2012), 19724303 (2010), 17331079 (2007), 17137500 (2006), 9439669 (1997)), atypical/mild CF symptoms (PMIDs: 31328366 (2019), 21983161 (2012), 19318035 (2009), 17594397 (2007)), and CFTR-related disorders (PMIDs: 34996830 (2022), 33374015 (2020), 27264265 (2016), 21520337 (2011), 15758663 (2005), 11938439 (2002)). Functional studies indicate this variant has deleterious effects on CFTR protein expression and ion channel activity (PMIDs: 29805046 (2018), 18306312 (2008), 17235394 (2007)). The frequency of this variant in the general population, 0.000054 (7/128930 chromosomes (Genome Aggregation Database)), is uninformative in the assessment of its pathogenicity. Based on the available information, this variant is classified as likely pathogenic.

Women's Health and Genetics/Laboratory Corporation of America, LabCorp
Classification: Pathogenic for Cystic fibrosis. Last evaluated: 2024-06-17. Review status: criteria provided, single submitter. Criteria: LabCorp Variant Classification Summary - May 2015. Collection method: clinical testing. Allele origin: germline.
Comment: Variant summary: CFTR c.14C>T (p.Pro5Leu) results in a non-conservative amino acid change in the encoded protein sequence. Five of five in-silico tools predict a damaging effect of the variant on protein function. The variant allele was found at a frequency of 2.4e-05 in 251348 control chromosomes. c.14C>T has been reported in the literature in multiple individuals affected with Non-classic Cystic Fibrosis, ICP, and CF (e.g. Chirico_2014, Narzi_2007, Sanz_2010, Schneider_2007, Spicuzza_2011). Multiple authors have indicated that the variant could cause a mild form of CF. These data indicate that the variant is very likely to be associated with disease. Co-occurrence with a pathogenic variant, CFTR 5T_TG11, has been reported (Narzi_2007). At least one publication reports experimental evidence evaluating an impact on protein function, with the most pronounced variant effect resulting in 10%-30% of normal activity (Thelin_2007, Gene_2008, Raraigh_2018). The following publications have been ascertained in the context of this evaluation (PMID: 17331079, 9439669, 19897426, 15758663, 18306312, 17594398, 20351098, 19724303, 17594397, 20351101, 17235394, 21983161, 19318035, 11938439, 25735457, 27264265, 25658530, 28736296, 29805046, 33374015). ClinVar contains an entry for this variant (Variation ID: 35824). Based on the evidence outlined above, the variant was classified as pathogenic.

Fulgent Genetics
Classification: Likely pathogenic for Hereditary pancreatitis; Bronchiectasis with or without elevated sweat chloride 1; Cystic fibrosis; Congenital bilateral aplasia of vas deferens from CFTR mutation. Last evaluated: 2024-04-05. Review status: criteria provided, single submitter. Criteria: ACMG Guidelines, 2015. Collection method: clinical testing. Allele origin: germline.

Genomic Medicine Center of Excellence, King Faisal Specialist Hospital and Research Centre
Classification: Likely pathogenic for Cystic fibrosis. Last evaluated: 2024-04-04. Review status: criteria provided, single submitter. Criteria: ACMG Guidelines, 2015. Collection method: clinical testing. Allele origin: germline.

Baylor Genetics
Classification: Likely pathogenic for Bronchiectasis with or without elevated sweat chloride 1. Last evaluated: 2024-03-27. Review status: criteria provided, single submitter. Criteria: ACMG Guidelines, 2015. Collection method: clinical testing. Allele origin: unknown.

3billion
Classification: Likely pathogenic for Cystic fibrosis. Last evaluated: 2023-12-26. Review status: criteria provided, single submitter. Criteria: ACMG Guidelines, 2015. Collection method: clinical testing. Allele origin: germline. Affected: yes.
Comment: The variant is observed at an extremely low frequency in the gnomAD v2.1.1 dataset (total allele frequency: 0.002%). Predicted Consequence/Location: Missense variant In silico tool predictions suggest damaging effect of the variant on gene or gene product [REVEL: 0.89 (>=0.6, sensitivity 0.68 and specificity 0.92); 3Cnet: 0.82 (>=0.6, sensitivity 0.72 and precision 0.9)]. Same nucleotide change resulting in same amino acid change has been previously reported as pathogenic/likely pathogenic with strong evidence (ClinVar ID: VCV000035824 /PMID: 9439669). Therefore, this variant is classified as Likely pathogenic according to the recommendation of ACMG/AMP guideline.

ARUP Laboratories, Molecular Genetics and Genomics, ARUP Laboratories
Classification: Pathogenic. Last evaluated: 2023-10-04. Review status: criteria provided, single submitter. Criteria: ARUP Molecular Germline Variant Investigation Process 2024. Collection method: clinical testing. Allele origin: germline.
Comment: The CFTR c.14C>T; p.Pro5Leu variant (rs193922501) is described as a variant of varying clinical consequences (CFTR2 database). It has been observed in trans with a pathogenic severe variant (i.e. F508del) in individuals who were either asymptomatic, had atypical/mild cystic fibrosis, or were diagnosed with pancreatic sufficient or insufficient cystic fibrosis (CFTR2 database, Casals 1997, Gene 2008, Narzi 2007, Schneider 2007, Spicuzza 2012). Functional characterization of the variant indicates a failure to generate mature CFTR protein and localization to the plasma membrane, and has 10-25% function as wild type protein (Gene 2008, Raraigh 2018, Thelin 2007). This variant is reported in ClinVar (Variation ID: 35824). It is found in the general population with a low overall allele frequency of 0.002% (7/282536 alleles) in the Genome Aggregation Database. The proline at codon 5 is well conserved, and computational analyses (SIFT, PolyPhen-2) predict that this variant is deleterious. Based on available information, this variant is classified as pathogenic with varying clinical consequences. REFERENCES CFTR2: Casals T et al. High heterogeneity for cystic fibrosis in Spanish families: 75 mutations account for 90% of chromosomes. Hum Genet. 1997 Dec;101(3):365-70. Gene GG et al. N-terminal CFTR missense variants severely affect the behavior of the CFTR chloride channel. Hum Mutat. 2008 May;29(5):738-49. Narzi L et al. Does cystic fibrosis neonatal screening detect atypical CF forms? Extended genetic characterization and 4-year clinical follow-up. Clin Genet. 2007 Jul;72(1):39-46. Schneider M et al. Large deletions in the CFTR gene: clinics and genetics in Swiss patients with CF. Clin Genet. 2007 Jul;72(1):30-8. Raraigh KS et al. Functional Assays Are Essential for Interpretation of Missense Variants Associated with Variable Expressivity. Am J Hum Genet. 2018 Jun 7;102(6):1062-1077. Spicuzza L et al. Mild cystic fibrosis in patients with the rare P5L CFTR mutation. J Cyst Fibros. 2012 Jan;11(1):30-3. Thelin WR et al. Direct interaction with filamins modulates the stability and plasma membrane expression of CFTR. J Clin Invest. 2007 Feb;117(2):364-74.

Mendelics
Classification: Pathogenic for Cystic fibrosis. Last evaluated: 2023-03-30. Review status: criteria provided, single submitter. Criteria: Mendelics Assertion Criteria 2017. Collection method: clinical testing. Allele origin: unknown. Affected: yes.

CeGaT Center for Human Genetics Tuebingen
Classification: Pathogenic. Last evaluated: 2022-11-01. Review status: criteria provided, single submitter. Criteria: CeGaT Center For Human Genetics Tuebingen Variant Classification Criteria Version 2. Collection method: clinical testing. Allele origin: germline. Affected: yes. Observed: 1 variant allele.
Comment: CFTR: PM3:Very Strong, PM2, PS3:Supporting

Genome-Nilou Lab
Classification: Likely pathogenic for Cystic fibrosis. Last evaluated: 2021-07-22. Review status: criteria provided, single submitter. Criteria: ACMG Guidelines, 2015. Collection method: clinical testing. Allele origin: germline. Affected: no.

CFTR-France
Classification: Pathogenic for cystic fibrosis; CFTR-related disorders. Last evaluated: 2020-08-04. Review status: criteria provided, single submitter. Criteria: Claustres M et al. (Hum Mutat 2017). Collection method: curation. Allele origin: germline. Affected: yes.
Comment: when the variant is in trans with another CF-causing variation, can either result in CF or in a CFTR-RD